The following is an entry in ClinVar:

ClinVar aggregate classification (germline): Uncertain significance (1 of 4 stars; one submission).

Conditions:
Craniosynostosis syndrome. Also called: Craniosynostosis. Identifiers: Orphanet 1531, MedGen C0010278, MeSH D003398, MONDO:0015469, HP:0001363.

Allele frequency attached by ClinVar (database versions not stated): gnomAD exomes below 0.00001 and 0.00001; TOPMed below 0.00001; ExAC 0.00001.

Submission:

Klinisk genetik och genomik Research, Gothenburg University
Classification: Uncertain significance for Craniosynostosis. Last evaluated: 2019-09-25. Review status: criteria provided, single submitter. Criteria: ACMG Guidelines, 2015. Collection method: research. Allele origin: germline. Affected: yes.
Comment: Co-segregating with VOUS in CYP26B1

Literature cited by the submitters: PubMed 31837199.

NM_006494.4(ERF):c.1300G>A (p.Glu434Lys)

Gene: ERF (ETS2 repressor factor; minus strand). Cytogenetic location: 19q13.2.
Variant type: single nucleotide variant.
Coding change: c.1300G>A on transcript NM_006494.4 (MANE Select); coding-DNA position 1300, G replaced by A.
Protein change: p.Glu434Lys; replaces glutamic acid 434 with lysine.
Molecular consequence: missense variant.
Genome position (GRCh38, 1-based): chr19:42,248,812, C>T on the plus strand (G>A on the coding strand, the complement: ERF is on the minus strand). VCF-style: chr19-42248812-C-T. GRCh37 (hg19) VCF-style: chr19-42752964-C-T.
Other names: c.1075G>A, p.Glu359Lys (NM_001301035.2, NM_001308402.2, NM_001312656.2); short protein forms E359K, E434K.
Identifiers: ClinVar variation 691920 (VCV000691920.1), dbSNP rs749808726, ClinGen allele CA9471196.